The following is an entry in ClinVar:

NM_000069.3(CACNA1S):c.2590T>G (p.Cys864Gly)

Gene: CACNA1S (calcium voltage-gated channel subunit alpha1 S; minus strand). Cytogenetic location: 1q32.1.
Variant type: single nucleotide variant.
Coding change: c.2590T>G on transcript NM_000069.3 (MANE Select); coding-DNA position 2590, T replaced by G.
Protein change: p.Cys864Gly; replaces cysteine 864 with glycine.
Molecular consequence: missense variant.
Genome position (GRCh38, 1-based): chr1:201,066,954, A>C on the plus strand (T>G on the coding strand, the complement: CACNA1S is on the minus strand). VCF-style: chr1-201066954-A-C. GRCh37 (hg19) VCF-style: chr1-201036082-A-C.
Other names: short protein forms C864G.
Identifiers: ClinVar variation 3071327 (VCV003071327.1), dbSNP rs1661267872, ClinGen allele CA344104135.

ClinVar aggregate classification (germline): Uncertain significance (1 of 4 stars; one submission).

Conditions:
Malignant hyperthermia, susceptibility to, 5 (MHS5). Also called: CACNA1S-Related Malignant Hyperthermia Susceptibility. Identifiers: Orphanet 423, MedGen C1866077, MONDO:0011163, OMIM 601887.

Submission:

All of Us Research Program, National Institutes of Health
Classification: Uncertain significance for Malignant hyperthermia, susceptibility to, 5. Last evaluated: 2023-05-31. Review status: criteria provided, single submitter. Criteria: ACMG Guidelines, 2015. Collection method: clinical testing. Allele origin: germline. Inheritance: Autosomal dominant inheritance. Observed: 1 variant allele, 1 heterozygote.
Comment: This study involves interpretation of variants in research participants for the purpose of population health screening. Participant phenotype was not available at the time of variant classification. Additional details can be found in publication PMID: 35346344, PMCID: PMC8962531